The following is an entry in ClinVar:

ClinVar aggregate classification (germline): Likely benign. Review status: criteria provided, multiple submitters, no conflicts (2 of 4 stars). 2 submissions from 2 submitters: Likely benign (2). Last evaluated 2018-06-16.

Allele frequency attached by ClinVar (database versions not stated): gnomAD exomes 0.00047 and 0.00111; ExAC 0.00134; ESP Exome Variant Server 0.00388; 1000 Genomes Project 0.00450; gnomAD 0.00466 and 0.00507; 1000 Genomes Project 30x 0.00562; TOPMed 0.00583.
gnomAD v4.1: 1,087 of 1,210,410 alleles (0.09%); highest among the groups gnomAD compares: African/African-American, 1.6%; 5 homozygotes.

Submissions (2):

GeneDx
Classification: Likely benign. Last evaluated: 2018-06-16. Review status: criteria provided, single submitter. Criteria: GeneDx Variant Classification (06012015). Collection method: clinical testing. Allele origin: germline. Affected: yes.
Comment: This variant is considered likely benign or benign based on one or more of the following criteria: it is a conservative change, it occurs at a poorly conserved position in the protein, it is predicted to be benign by multiple in silico algorithms, and/or has population frequency not consistent with disease.

Breakthrough Genomics
Classification: Likely benign. Review status: criteria provided, single submitter. Criteria: ACMG Guidelines, 2015. Collection method: not provided. Allele origin: germline. Inheritance: Unknown mechanism. Affected: yes.

NM_014467.3(SRPX2):c.782-27C>T

Gene: SRPX2 (sushi repeat containing protein X-linked 2; plus strand). Cytogenetic location: Xq22.1.
Variant type: single nucleotide variant.
Coding change: c.782-27C>T on transcript NM_014467.3 (MANE Select); 27 bases into the intron before coding-DNA position 782, C replaced by T.
Molecular consequence: intron variant.
Genome position (GRCh38, 1-based): chrX:100,666,727, C>T. VCF-style: chrX-100666727-C-T. GRCh37 (hg19) VCF-style: chrX-99921724-C-T.
Identifiers: ClinVar variation 676436 (VCV000676436.2), dbSNP rs149678452, ClinGen allele CA10469580.